The following is an entry in ClinVar:

ClinVar aggregate classification (germline): Uncertain significance. Review status: criteria provided, multiple submitters, no conflicts (2 of 4 stars). 2 submissions from 2 submitters: Uncertain significance (2). Last evaluated 2024-12-19.

Conditions:
Frontotemporal dementia (FTD1). Also called: WILHELMSEN-LYNCH DISEASE; Frontotemporal Dementia with Parkinsonism-17 (FTDP-17); MULTIPLE SYSTEM TAUOPATHY WITH PRESENILE DEMENTIA; FRONTOTEMPORAL LOBAR DEGENERATION WITH TAU INCLUSIONS; FTLD WITH TAU INCLUSIONS; FRONTOTEMPORAL DEMENTIA WITH PARKINSONISM. Identifiers: Orphanet 282, MedGen C0338451, MONDO:0017276, OMIM 600274, HP:0002145.
Supranuclear palsy, progressive, 1 (PSNP1). Also called: STEELE-RICHARDSON-OLSZEWSKI SYNDROME. Identifiers: Orphanet 240071, MedGen C4551863, MONDO:0010997, OMIM 601104.
Pick disease. Also called: Pick's disease; LOBAR ATROPHY OF BRAIN; PICK DISEASE OF BRAIN; DEMENTIA WITH LOBAR ATROPHY AND NEURONAL CYTOPLASMIC INCLUSIONS; Pick Disease of the Brain. Identifiers: Orphanet 282, MedGen C0236642, MONDO:0008243, OMIM 172700.
Parkinson disease, late-onset (PD). Also called: PARKINSON DISEASE, LATE-ONSET, SUSCEPTIBILITY TO; Susceptibility to Parkinson's Disease; Hereditary late onset Parkinson disease. Identifiers: MONDO:0008199, OMIM 168600, Orphanet 411602, MedGen C3160718.
Progressive supranuclear palsy-parkinsonism syndrome. Also called: Progressive supranuclear palsy atypical; Atypical PSP; PARKINSON-DEMENTIA SYNDROME; Supranuclear palsy, progressive, 1, atypical. Identifiers: Orphanet 240085, Orphanet 683, Orphanet 99750, MedGen C1850077, MONDO:0009839, OMIM 260540.

Allele frequency attached by ClinVar (database versions not stated): gnomAD 0.00001; TOPMed 0.00003; gnomAD exomes 0.00004 and 0.00006; ESP Exome Variant Server 0.00008; ExAC 0.00010.
gnomAD v4.1: 68 of 1,612,670 alleles (0.0042%); highest among the groups gnomAD compares: Middle Eastern, 0.02%; no homozygotes.

Submissions (2):

Labcorp Genetics (formerly Invitae), Labcorp
Classification: Uncertain significance for Frontotemporal dementia. Last evaluated: 2024-12-19. Review status: criteria provided, single submitter. Criteria: Invitae Variant Classification Sherloc (09022015). Collection method: clinical testing. Allele origin: germline.
Comment: This sequence change replaces threonine, which is neutral and polar, with isoleucine, which is neutral and non-polar, at codon 30 of the MAPT protein (p.Thr30Ile). This variant is present in population databases (rs374996228, gnomAD 0.01%). This variant has not been reported in the literature in individuals affected with MAPT-related conditions. ClinVar contains an entry for this variant (Variation ID: 956359). An algorithm developed to predict the effect of missense changes on protein structure and function (PolyPhen-2) suggests that this variant¬†is likely to be tolerated. In summary, the available evidence is currently insufficient to determine the role of this variant in disease. Therefore, it has been classified as a Variant of Uncertain Significance.

Fulgent Genetics
Classification: Uncertain significance for Parkinson disease, late-onset; Pick disease; Progressive supranuclear palsy-parkinsonism syndrome; Frontotemporal dementia; Supranuclear palsy, progressive, 1. Last evaluated: 2021-07-19. Review status: criteria provided, single submitter. Criteria: ACMG Guidelines, 2015. Collection method: clinical testing. Allele origin: unknown.

NM_001377265.1(MAPT):c.89C>T (p.Thr30Ile)

Gene: MAPT (microtubule associated protein tau). Cytogenetic location: 17q21.31.
Variant type: single nucleotide variant.
Coding change: c.89C>T on transcript NM_001377265.1 (MANE Select); coding-DNA position 89, C replaced by T.
Protein change: p.Thr30Ile; replaces threonine 30 with isoleucine.
Molecular consequence: missense variant. On other transcripts: non-coding transcript variant (1).
Genome position (GRCh38, 1-based): chr17:45,962,426, C>T. VCF-style: chr17-45962426-C-T. GRCh37 (hg19) VCF-style: chr17-44039792-C-T.
Other names: c.89C>T, p.Thr30Ile (NM_001123066.4, NM_001123067.4, NM_001203251.2 and 8 more transcripts); short protein forms T30I.
Identifiers: ClinVar variation 956359 (VCV000956359.10), dbSNP rs374996228, ClinGen allele CA8617513.